The following is an entry in ClinVar:

NM_058195.4(CDKN2A):c.90C>T (p.Leu30=)

Gene: CDKN2A (cyclin dependent kinase inhibitor 2A; minus strand). Cytogenetic location: 9p21.3.
Variant type: single nucleotide variant.
Coding change: c.90C>T on transcript NM_058195.4 (MANE Plus Clinical); coding-DNA position 90, C replaced by T.
Protein change: p.Leu30=; no amino-acid change (leucine 30 retained).
Molecular consequence: synonymous variant. On other transcripts: intron variant (1).
Genome position (GRCh38, 1-based): chr9:21,994,242, G>A on the plus strand (C>T on the coding strand, the complement: CDKN2A is on the minus strand). VCF-style: chr9-21994242-G-A. GRCh37 (hg19) VCF-style: chr9-21994241-G-A.
Other names: c.-4+579C>T (NM_001363763.2).
Identifiers: ClinVar variation 184814 (VCV000184814.11), dbSNP rs786201711, ClinGen allele CA190129.

ClinVar aggregate classification (germline): Benign/Likely benign. Review status: criteria provided, multiple submitters, no conflicts (2 of 4 stars). 4 submissions from 4 submitters: Benign (1); Likely benign (3). Last evaluated 2025-08-12.

Conditions:
Hereditary cancer-predisposing syndrome. Also called: Hereditary Cancer Syndrome; Tumor predisposition; Neoplastic Syndromes, Hereditary; Hereditary neoplastic syndrome. Identifiers: Orphanet 140162, MedGen C0027672, MeSH D009386, MONDO:0015356.
Familial melanoma. Also called: Hereditary melanoma; Hereditary cutaneous melanoma. Identifiers: Orphanet 618, MedGen C1512419, MONDO:0018961.
Melanoma-pancreatic cancer syndrome. Identifiers: Orphanet 404560, MedGen C1838547, MONDO:0011713, OMIM 606719. Disease mechanism: loss of function.

Submissions (4):

Myriad Genetics, Inc.
Classification: Benign for Melanoma-pancreatic cancer syndrome. Last evaluated: 2025-08-12. Review status: criteria provided, single submitter. Criteria: Myriad Autosomal Dominant, Autosomal Recessive and X-Linked Classification Criteria (2023). Collection method: clinical testing. Allele origin: unknown.
Comment: This variant is considered benign. This variant is a silent/synonymous amino acid change and it is not expected to impact splicing.

Blueprint Genetics
Classification: Likely benign. Last evaluated: 2024-04-03. Review status: criteria provided, single submitter. Criteria: ACMG Guidelines, 2015. Collection method: clinical testing. Allele origin: germline.

Ambry Genetics
Classification: Likely benign for Hereditary cancer-predisposing syndrome. Last evaluated: 2023-08-15. Review status: criteria provided, single submitter. Criteria: Ambry Variant Classification Scheme 2023. Collection method: clinical testing. Allele origin: germline.

Labcorp Genetics (formerly Invitae), Labcorp
Classification: Likely benign for Familial melanoma. Last evaluated: 2021-09-05. Review status: criteria provided, single submitter. Criteria: Invitae Variant Classification Sherloc (09022015). Collection method: clinical testing. Allele origin: germline.